The following is an entry in ClinVar:

ClinVar aggregate classification (germline): Benign. Review status: criteria provided, multiple submitters, no conflicts (2 of 4 stars). 2 submissions from 2 submitters: Benign (2). Last evaluated 2018-01-12.

Conditions:
Hereditary spastic paraplegia 15 (SPG15). Also called: SPASTIC PARAPLEGIA 15, AUTOSOMAL RECESSIVE; KJELLIN SYNDROME; SPASTIC PARAPLEGIA AND RETINAL DEGENERATION. Identifiers: Orphanet 100996, MedGen C1849128, MONDO:0010044, OMIM 270700.

Allele frequency attached by ClinVar (database versions not stated): TOPMed 0.94484; 1000 Genomes Project 30x 0.94566; gnomAD 0.94782 and 0.95124; 1000 Genomes Project 0.95008; gnomAD exomes 1.00000.
gnomAD v4.1: 145,362 of 152,734 alleles (95%); highest among the groups gnomAD compares: East Asian, 100%; 69,511 homozygotes.

Submissions (2):

Illumina Laboratory Services, Illumina
Classification: Benign for Hereditary spastic paraplegia 15. Last evaluated: 2018-01-12. Review status: criteria provided, single submitter. Criteria: ICSL Variant Classification Criteria 13 December 2019. Collection method: clinical testing. Allele origin: germline.
Comment: This variant was observed in the ICSL laboratory as part of a predisposition screen in an ostensibly healthy population. It had not been previously curated by ICSL or reported in the Human Gene Mutation Database (HGMD: prior to June 1st, 2018), and was therefore a candidate for classification through an automated scoring system. Utilizing variant allele frequency, disease prevalence and penetrance estimates, and inheritance mode, an automated score was calculated to assess if this variant is too frequent to cause the disease. Based on the score and internal cut-off values, a variant classified as benign is not then subjected to further curation. The score for this variant resulted in a classification of benign for this disease.

Breakthrough Genomics
Classification: Benign. Review status: criteria provided, single submitter. Criteria: ACMG Guidelines, 2015. Collection method: not provided. Allele origin: germline. Inheritance: Autosomal recessive inheritance. Affected: yes.

NM_015346.4(ZFYVE26):c.*1582G>A

Gene: ZFYVE26 (zinc finger FYVE-type containing 26; minus strand). Cytogenetic location: 14q24.1.
Variant type: single nucleotide variant.
Coding change: c.*1582G>A on transcript NM_015346.4 (MANE Select); 1582 bases downstream of the stop codon, G replaced by A.
Molecular consequence: 3 prime UTR variant.
Genome position (GRCh38, 1-based): chr14:67,746,854, C>T on the plus strand (G>A on the coding strand, the complement: ZFYVE26 is on the minus strand). VCF-style: chr14-67746854-C-T. GRCh37 (hg19) VCF-style: chr14-68213571-C-T.
Identifiers: ClinVar variation 313851 (VCV000313851.6), dbSNP rs8017209, ClinGen allele CA10640668.